The following is an entry in ClinVar:

ClinVar aggregate classification (germline): Uncertain significance (1 of 4 stars; one submission).

Conditions:
Oculofaciocardiodental syndrome (MCOPS2). Identifiers: Orphanet 2712, MedGen C1846265, MONDO:0010261, OMIM 300166.

Allele frequency attached by ClinVar (database versions not stated): ExAC 0.00001; gnomAD 0.00001; TOPMed 0.00001; gnomAD exomes 0.00002; ESP Exome Variant Server 0.00009.
gnomAD v4.1: 20 of 1,208,868 alleles (0.0017%); highest among the groups gnomAD compares: Admixed American, 0.0044%; no homozygotes.

Submission:

Labcorp Genetics (formerly Invitae), Labcorp
Classification: Uncertain significance for Oculofaciocardiodental syndrome. Last evaluated: 2022-10-04. Review status: criteria provided, single submitter. Criteria: Invitae Variant Classification Sherloc (09022015). Collection method: clinical testing. Allele origin: germline.
Comment: This sequence change replaces glutamic acid, which is acidic and polar, with lysine, which is basic and polar, at codon 1303 of the BCOR protein (p.Glu1303Lys). This variant is present in population databases (rs370685925, gnomAD 0.008%). This variant has not been reported in the literature in individuals affected with BCOR-related conditions. Advanced modeling of protein sequence and biophysical properties (such as structural, functional, and spatial information, amino acid conservation, physicochemical variation, residue mobility, and thermodynamic stability) performed at Invitae indicates that this missense variant is not expected to disrupt BCOR protein function. In summary, the available evidence is currently insufficient to determine the role of this variant in disease. Therefore, it has been classified as a Variant of Uncertain Significance.

NM_001123385.2(BCOR):c.4009G>A (p.Glu1337Lys)

Gene: BCOR (BCL6 corepressor; minus strand). Cytogenetic location: Xp11.4.
Variant type: single nucleotide variant.
Coding change: c.4009G>A on transcript NM_001123385.2 (MANE Select); coding-DNA position 4009, G replaced by A.
Protein change: p.Glu1337Lys; replaces glutamic acid 1337 with lysine.
Molecular consequence: missense variant.
Genome position (GRCh38, 1-based): chrX:40,062,910, C>T on the plus strand (G>A on the coding strand, the complement: BCOR is on the minus strand). VCF-style: chrX-40062910-C-T. GRCh37 (hg19) VCF-style: chrX-39922163-C-T.
Other names: c.3907G>A, p.Glu1303Lys (NM_001123383.2, NM_017745.6); c.3853G>A, p.Glu1285Lys (NM_001123384.2); short protein forms E1285K, E1303K, E1337K.
Identifiers: ClinVar variation 2081437 (VCV002081437.4), dbSNP rs370685925, ClinGen allele CA10386523.